The following is an entry in ClinVar:

NM_005477.3(HCN4):c.1481T>C (p.Leu494Pro)

Gene: HCN4 (hyperpolarization activated cyclic nucleotide gated potassium channel 4; minus strand). Cytogenetic location: 15q24.1.
Variant type: single nucleotide variant.
Coding change: c.1481T>C on transcript NM_005477.3 (MANE Select); coding-DNA position 1481, T replaced by C.
Protein change: p.Leu494Pro; replaces leucine 494 with proline.
Molecular consequence: missense variant.
Genome position (GRCh38, 1-based): chr15:73,329,682, A>G on the plus strand (T>C on the coding strand, the complement: HCN4 is on the minus strand). VCF-style: chr15-73329682-A-G. GRCh37 (hg19) VCF-style: chr15-73622023-A-G.
Other names: short protein forms L494P.
Identifiers: ClinVar variation 4858310 (VCV004858310.2).

ClinVar aggregate classification (germline): Uncertain significance (1 of 4 stars; one submission).

Conditions:
Cardiovascular phenotype. Identifiers: MedGen CN230736.

Submission:

Ambry Genetics
Classification: Uncertain significance for Cardiovascular phenotype. Last evaluated: 2026-06-17. Review status: criteria provided, single submitter. Criteria: Ambry Variant Classification Scheme 2023. Collection method: clinical testing. Allele origin: germline.
Comment: The c.1481T>C (p.L494P) alteration is located in exon 4 (coding exon 4) of the HCN4 gene. This alteration results from a T to C substitution at nucleotide position 1481, causing the leucine (L) at amino acid position 494 to be replaced by a proline (P). This variant was not reported in population-based cohorts in the Genome Aggregation Database (gnomAD). This amino acid position is highly conserved in available vertebrate species. This missense variant is located in a region that has a low rate of benign missense variation (Lek, 2016; Firth, 2009). This alteration is predicted to be deleterious by in silico analysis. Based on insufficient or conflicting evidence, the clinical significance of this alteration remains unclear.